The following continues an entry in ClinVar:

NM_007194.4(CHEK2):c.1067C>T (p.Ser356Leu)

Gene: CHEK2. ClinVar aggregate classification (germline): Uncertain significance. Uncertain significance (11).

Submissions 12 to 16 of 16:

Counsyl
Classification: Uncertain significance for Familial cancer of breast. Last evaluated: 2017-02-08. Review status: no assertion criteria provided. Collection method: clinical testing. Allele origin: unknown. Not counted in ClinVar's aggregate classification.

Clinical Genetics Laboratory, Department of Pathology, Netherlands Cancer Institute
Classification: Uncertain significance. Review status: no assertion criteria provided. Collection method: clinical testing. Allele origin: germline. Affected: yes. Study: VKGL Data-share Consensus. Not counted in ClinVar's aggregate classification.

Department of Pathology and Laboratory Medicine, Sinai Health System
Classification: Uncertain significance for Malignant tumor of breast. Review status: no assertion criteria provided. Collection method: clinical testing. Allele origin: unknown. Affected: yes. Observed: 1 variant allele. Study: The Canadian Open Genetics Repository (COGR). Not counted in ClinVar's aggregate classification.
Comment: The CHEK2 p.Ser356Leu variant was identified in 1 of 680 proband chromosomes (frequency: 0.002) from individuals or families with Non-Hodgkin Lymphoma and was not identified in 890 control chromosomes from healthy individuals (Havranek 2015). The variant was also identified in dbSNP (ID: rs121908703) as "With Uncertain significance allele", in ClinVar (classified as uncertain significance by Ambry Geneics, Invitae, Color Genomics), Cosmic (1x in urinary tract tumor), and in MutDB. The variant was not identified in Zhejiang University database. The variant was identified in control databases in 4 of 246052 chromosomes at a frequency of 0.00002 (Genome Aggregation Database Feb 27, 2017). The variant was observed in European population in 4 of 111556 chromosomes (freq: 0.00004), while the variant was not observed in the African, Other, Latino, Ashkenazi Jewish, East Asian, Finnish, or South Asian populations. The p.Ser356 residue is conserved in mammals but not in more distantly related organisms, and four out of five computational analyses (PolyPhen-2, SIFT, AlignGVGD, BLOSUM, MutationTaster) suggest that the variant may impact the protein; however, this information is not predictive enough to assume pathogenicity. The variant occurs outside of the splicing consensus sequence and in silico or computational prediction software programs (SpliceSiteFinder, MaxEntScan, NNSPLICE, GeneSplicer, HumanSpliceFinder) do not predict a difference in splicing. In summary, based on the above information the clinical significance of this variant cannot be determined with certainty at this time. This variant is classified as a variant of uncertain significance.

Diagnostic Laboratory, Department of Genetics, University Medical Center Groningen
Classification: Uncertain significance. Review status: no assertion criteria provided. Collection method: clinical testing. Allele origin: germline. Affected: yes. Study: VKGL Data-share Consensus. Not counted in ClinVar's aggregate classification.

Institute. of Biochemistry and Experimental Oncology, First Faculty of Medicine, Charles University in Prague
No classification provided. Review status: no classification provided. Collection method: not provided. Allele origin: somatic. Not counted in ClinVar's aggregate classification.
Comment: Characterized in 1 out of 340 Non-Hodgkin lymphoma patients

Literature cited by the submitters: PubMed 26506619 (cited by 4 submitters); PubMed 29700698 (cited by Labcorp Genetics (formerly Invitae), Labcorp and Color Diagnostics, LLC DBA Color Health); PubMed 30303537 (cited by Labcorp Genetics (formerly Invitae), Labcorp and Color Diagnostics, LLC DBA Color Health); PubMed 34991090 (cited by Labcorp Genetics (formerly Invitae), Labcorp and Ambry Genetics); PubMed 30851065 (cited by 3 submitters); PubMed 31050813 (cited by Labcorp Genetics (formerly Invitae), Labcorp and Color Diagnostics, LLC DBA Color Health); PubMed 31409080 (cited by Labcorp Genetics (formerly Invitae), Labcorp).